The following is an entry in ClinVar:

NM_019098.5(CNGB3):c.1751T>C (p.Leu584Pro)

Gene: CNGB3 (cyclic nucleotide gated channel subunit beta 3; minus strand). Cytogenetic location: 8q21.3.
Variant type: single nucleotide variant.
Coding change: c.1751T>C on transcript NM_019098.5 (MANE Select); coding-DNA position 1751, T replaced by C.
Protein change: p.Leu584Pro; replaces leucine 584 with proline.
Molecular consequence: missense variant.
Genome position (GRCh38, 1-based): chr8:86,604,123, A>G on the plus strand (T>C on the coding strand, the complement: CNGB3 is on the minus strand). VCF-style: chr8-86604123-A-G. GRCh37 (hg19) VCF-style: chr8-87616351-A-G.
Other names: short protein forms L584P.
Identifiers: ClinVar variation 427678 (VCV000427678.2), dbSNP rs1554607553, ClinGen allele CA371449042.

ClinVar aggregate classification (germline): Likely pathogenic. Review status: criteria provided, single submitter (1 of 4 stars). 2 submissions from 2 submitters: Likely pathogenic (1). 1 of the submissions does not count toward it. Last evaluated 2026-02-02.

Conditions:
Achromatopsia 3 (ACHM3). Also called: ACHROMATOPSIA WITH MYOPIA; PINGELAPESE BLINDNESS; TOTAL COLORBLINDNESS WITH MYOPIA; ROD MONOCHROMACY 1; ROD MONOCHROMATISM 1. Identifiers: Orphanet 49382, MedGen C1849792, MONDO:0009875, OMIM 262300.

Allele frequency attached by ClinVar (database versions not stated): gnomAD exomes below 0.00001.
gnomAD v4.1: 1 of 1,613,142 alleles (0.000062%); highest among the groups gnomAD compares: Non-Finnish European, 0.000085%; no homozygotes.

Submissions (2):

Myriad Genetics, Inc.
Classification: Likely pathogenic for Achromatopsia 3. Last evaluated: 2026-02-02. Review status: criteria provided, single submitter. Criteria: Myriad Autosomal Dominant, Autosomal Recessive and X-Linked Classification Criteria (2023). Collection method: clinical testing. Allele origin: unknown.
Comment: NM_019098.4(CNGB3):c.1751T>C(L584P) is a missense variant classified as likely pathogenic in the context of achromatopsia, CNGB3-related. L584P has been observed in cases with relevant disease (PMID: 28795510, 27479814, 38219857). Relevant functional assessments of this variant are not available in the literature. Internal structural analysis of the variant is supportive of pathogenicity. L584P has not been observed in referenced population frequency databases. In summary, NM_019098.4(CNGB3):c.1751T>C(L584P) is a missense variant that has internal structural support for pathogenicity and has been observed more frequently in cases with the relevant disease than in healthy populations. Please note: this variant was assessed in the context of healthy population screening.

Molecular Genetics Laboratory, Institute for Ophthalmic Research
Classification: Likely pathogenic for ACHM3. Last evaluated: 2017-03-27. Review status: no assertion criteria provided. Collection method: research. Allele origin: germline. Affected: yes. Not counted in ClinVar's aggregate classification.

Literature cited by the submitters: PubMed 27479814 (cited by Myriad Genetics, Inc.); PubMed 28795510 (cited by Myriad Genetics, Inc. and Molecular Genetics Laboratory, Institute for Ophthalmic Research); PubMed 38219857 (cited by Myriad Genetics, Inc.).